The following is an entry in ClinVar:

ClinVar aggregate classification (germline): Uncertain significance (1 of 4 stars; one submission).

Conditions:
Hereditary cancer-predisposing syndrome. Also called: Hereditary neoplastic syndrome; Neoplastic Syndromes, Hereditary; Tumor predisposition; Hereditary Cancer Syndrome. Identifiers: Orphanet 140162, MedGen C0027672, MeSH D009386, MONDO:0015356.

Allele frequency attached by ClinVar (database versions not stated): gnomAD exomes below 0.00001.
gnomAD v4.1: 1 of 1,613,244 alleles (0.000062%); highest among the groups gnomAD compares: East Asian, 0.0022%; no homozygotes.

Submission:

Ambry Genetics
Classification: Uncertain significance for Hereditary cancer-predisposing syndrome. Last evaluated: 2022-01-21. Review status: criteria provided, single submitter. Criteria: Ambry Variant Classification Scheme 2023. Collection method: clinical testing. Allele origin: germline.
Comment: The c.7851C>G variant (also known as p.V2617V), located in coding exon 52 of the ATM gene, results from a C to G substitution at nucleotide position 7851. This nucleotide substitution does not change the at codon 2617. This nucleotide position is not well conserved in available vertebrate species. In silico splice site analysis predicts that this alteration will result in the creation or strengthening of a novel splice donor site; however, direct evidence is insufficient at this time (Ambry internal data). Since supporting evidence is limited at this time, the clinical significance of this alteration remains unclear.

NM_000051.4(ATM):c.7851C>G (p.Val2617=)

Genes: ATM (ATM serine/threonine kinase; plus strand), C11orf65 (chromosome 11 open reading frame 65; minus strand). Cytogenetic location: 11q22.3.
Variant type: single nucleotide variant.
Coding change: c.7851C>G on transcript NM_000051.4 (MANE Select); coding-DNA position 7851, C replaced by G.
Protein change: p.Val2617=; no amino-acid change (valine 2617 retained).
Molecular consequence: synonymous variant. On other transcripts: intron variant (2).
Genome position (GRCh38, 1-based): chr11:108,332,824, C>G. VCF-style: chr11-108332824-C-G. GRCh37 (hg19) VCF-style: chr11-108203551-C-G.
Other names: c.7851C>G, p.Val2617= (NM_001351834.2); c.641-23753G>C (NM_001330368.2); c.*38+2396G>C (NM_001351110.2).
Identifiers: ClinVar variation 1760897 (VCV001760897.2), dbSNP rs2136566305, ClinGen allele CA476677391.